The following is an entry in ClinVar:

NM_001430.5(EPAS1):c.124C>A (p.Pro42Thr)

Gene: EPAS1 (endothelial PAS domain protein 1; plus strand). Cytogenetic location: 2p21.
Variant type: single nucleotide variant.
Coding change: c.124C>A on transcript NM_001430.5 (MANE Select); coding-DNA position 124, C replaced by A.
Protein change: p.Pro42Thr; replaces proline 42 with threonine.
Molecular consequence: missense variant.
Genome position (GRCh38, 1-based): chr2:46,346,970, C>A. VCF-style: chr2-46346970-C-A. GRCh37 (hg19) VCF-style: chr2-46574109-C-A.
Other names: short protein forms P42T.
Identifiers: ClinVar variation 2588677 (VCV002588677.2), dbSNP rs2103616238, ClinGen allele CA346697079.
Genomic context (GRCh38, chr2:46,346,970, plus strand): 5'-GCTGCGCGGTGCCGGCGGAGCAAGGAGACGGAGGTGTTCTATGAGCTGGCCCATGAGCTG[C>A]CTCTGCCCCACAGTGTGAGCTCCCATCTGGACAAGGCCTCCATCATGCGACTGGCAATCA-3'
Protein context (NP_001421.2, residues 32-52): EVFYELAHEL[Pro42Thr]LPHSVSSHLD

ClinVar aggregate classification (germline): Uncertain significance (1 of 4 stars; one submission).

Conditions:
Inborn genetic diseases. Identifiers: MedGen C0950123, MeSH D030342.

Submission:

Ambry Genetics
Classification: Uncertain significance for Inborn genetic diseases. Last evaluated: 2023-08-29. Review status: criteria provided, single submitter. Criteria: Ambry Variant Classification Scheme 2023. Collection method: clinical testing. Allele origin: germline.
Comment: The p.P42T variant (also known as c.124C>A), located in coding exon 2 of the EPAS1 gene, results from a C to A substitution at nucleotide position 124. The proline at codon 42 is replaced by threonine, an amino acid with highly similar properties. This amino acid position is conserved. In addition, this alteration is predicted to be deleterious by in silico analysis. Since supporting evidence is limited at this time, the clinical significance of this alteration remains unclear.